The following is an entry in ClinVar:

NM_181426.2(CCDC39):c.664_666del (p.Glu222del)

Gene: CCDC39 (coiled-coil domain 39 molecular ruler complex subunit; minus strand). Cytogenetic location: 3q26.33.
Variant type: Deletion.
Coding change: c.664_666del on transcript NM_181426.2 (MANE Select); coding-DNA positions 664 to 666, 3 bases deleted (GAA; older notation c.664_666delGAA).
Protein change: p.Glu222del; deletes glutamic acid 222.
Molecular consequence: inframe deletion.
Genome position (GRCh38, 1-based): chr3:180,659,524-180,659,526, TTC deleted on the plus strand (GAA on the coding strand, the reverse complement: CCDC39 is on the minus strand); deleting any 3 consecutive bases within chr3:180,659,524-180,659,528 gives the same sequence; the c. name uses the placement nearest the transcript's 3' end. VCF-style (leftmost placement, unchanged base first): chr3-180659523-GTTC-G. GRCh37 (hg19) VCF-style: chr3-180377311-GTTC-G.
Other names: short protein forms E222del.
Identifiers: ClinVar variation 942739 (VCV000942739.8), dbSNP rs1711686691, ClinGen allele CA1056965832.

ClinVar aggregate classification (germline): Uncertain significance (1 of 4 stars; one submission).

Conditions:
Primary ciliary dyskinesia. Also called: Ciliary dyskinesia. Identifiers: Orphanet 244, MedGen C0008780, MONDO:0016575, HP:0012265.

Submission:

Labcorp Genetics (formerly Invitae), Labcorp
Classification: Uncertain significance for Primary ciliary dyskinesia. Last evaluated: 2023-10-03. Review status: criteria provided, single submitter. Criteria: Invitae Variant Classification Sherloc (09022015). Collection method: clinical testing. Allele origin: germline.
Comment: This variant, c.664_666del, results in the deletion of 1 amino acid(s) of the CCDC39 protein (p.Glu222del), but otherwise preserves the integrity of the reading frame. This variant is not present in population databases (gnomAD no frequency). This variant has been observed in individual(s) with CCDC39-related conditions (Invitae). In at least one individual the data is consistent with being in trans (on the opposite chromosome) from a pathogenic variant. ClinVar contains an entry for this variant (Variation ID: 942739). In summary, the available evidence is currently insufficient to determine the role of this variant in disease. Therefore, it has been classified as a Variant of Uncertain Significance.